The following is an entry in ClinVar:

NM_000136.3(FANCC):c.1478A>C (p.Asn493Thr)

Genes: AOPEP (aminopeptidase O (putative); plus strand), FANCC (FA complementation group C; minus strand). Cytogenetic location: 9q22.32.
Variant type: single nucleotide variant.
Coding change: c.1478A>C on transcript NM_000136.3 (MANE Select); coding-DNA position 1478, A replaced by C.
Protein change: p.Asn493Thr; replaces asparagine 493 with threonine.
Molecular consequence: missense variant.
Genome position (GRCh38, 1-based): chr9:95,107,121, T>G on the plus strand (A>C on the coding strand, the complement: FANCC is on the minus strand). VCF-style: chr9-95107121-T-G. GRCh37 (hg19) VCF-style: chr9-97869403-T-G.
Other names: c.1478A>C, p.Asn493Thr (NM_001243743.2); short protein forms N493T.
Identifiers: ClinVar variation 4022427 (VCV004022427.1).

ClinVar aggregate classification (germline): Uncertain significance (1 of 4 stars; one submission).

Conditions:
Hereditary cancer-predisposing syndrome. Also called: Tumor predisposition; Hereditary neoplastic syndrome; Neoplastic Syndromes, Hereditary; Hereditary Cancer Syndrome. Identifiers: Orphanet 140162, MedGen C0027672, MeSH D009386, MONDO:0015356.

Submission:

Ambry Genetics
Classification: Uncertain significance for Hereditary cancer-predisposing syndrome. Last evaluated: 2025-05-25. Review status: criteria provided, single submitter. Criteria: Ambry Variant Classification Scheme 2023. Collection method: clinical testing. Allele origin: germline.
Comment: The p.N493T variant (also known as c.1478A>C), located in coding exon 13 of the FANCC gene, results from an A to C substitution at nucleotide position 1478. The asparagine at codon 493 is replaced by threonine, an amino acid with similar properties. This amino acid position is conserved. In addition, this alteration is predicted to be tolerated by in silico analysis. Based on the available evidence, the clinical significance of this variant remains unclear.